The following is an entry in ClinVar:

ClinVar aggregate classification (germline): Likely benign (1 of 4 stars; one submission).

gnomAD v4.1: 25 of 1,517,652 alleles (0.0016%); highest among the groups gnomAD compares: South Asian, 0.016%; no homozygotes.

Submission:

CeGaT Center for Human Genetics Tuebingen
Classification: Likely benign. Last evaluated: 2026-08-01. Review status: criteria provided, single submitter. Criteria: CeGaT Center For Human Genetics Tuebingen Variant Classification Criteria Version 2. Collection method: clinical testing. Allele origin: germline. Affected: yes. Observed: 1 variant allele.
Comment: ACTN2: BP4, BP7

NM_001103.4(ACTN2):c.784-544A>G

Gene: ACTN2 (actinin alpha 2; plus strand). Cytogenetic location: 1q43.
Variant type: single nucleotide variant.
Coding change: c.784-544A>G on transcript NM_001103.4 (MANE Select); 544 bases into the intron before coding-DNA position 784, A replaced by G.
Molecular consequence: intron variant. On other transcripts: non-coding transcript variant (1).
Genome position (GRCh38, 1-based): chr1:236,736,578, A>G. VCF-style: chr1-236736578-A-G. GRCh37 (hg19) VCF-style: chr1-236899878-A-G.
Other names: c.784-544A>G (NM_001278343.2).
Identifiers: ClinVar variation 5039631 (VCV005039631.1).